The following is an entry in ClinVar:

ClinVar aggregate classification (germline): Uncertain significance (1 of 4 stars; one submission).

Conditions:
Dystonic disorder. Also called: Dystonia. Identifiers: MedGen C0013421, MONDO:0003441, HP:0001332.

Submission:

Labcorp Genetics (formerly Invitae), Labcorp
Classification: Uncertain significance for Dystonic disorder. Last evaluated: 2024-11-25. Review status: criteria provided, single submitter. Criteria: Invitae Variant Classification Sherloc (09022015). Collection method: clinical testing. Allele origin: germline.
Comment: This sequence change replaces leucine, which is neutral and non-polar, with proline, which is neutral and non-polar, at codon 83 of the SPR protein (p.Leu83Pro). This variant is not present in population databases (gnomAD no frequency). This variant has not been reported in the literature in individuals affected with SPR-related conditions. Invitae Evidence Modeling of protein sequence and biophysical properties (such as structural, functional, and spatial information, amino acid conservation, physicochemical variation, residue mobility, and thermodynamic stability) indicates that this missense variant is not expected to disrupt SPR protein function with a negative predictive value of 80%. In summary, the available evidence is currently insufficient to determine the role of this variant in disease. Therefore, it has been classified as a Variant of Uncertain Significance.

NM_003124.5(SPR):c.248T>C (p.Leu83Pro)

Gene: SPR (sepiapterin reductase; plus strand). Cytogenetic location: 2p13.2.
Variant type: single nucleotide variant.
Coding change: c.248T>C on transcript NM_003124.5 (MANE Select); coding-DNA position 248, T replaced by C.
Protein change: p.Leu83Pro; replaces leucine 83 with proline.
Molecular consequence: missense variant.
Genome position (GRCh38, 1-based): chr2:72,887,680, T>C. VCF-style: chr2-72887680-T-C. GRCh37 (hg19) VCF-style: chr2-73114809-T-C.
Other names: short protein forms L83P.
Identifiers: ClinVar variation 3706226 (VCV003706226.2).